The following is an entry in ClinVar:

ClinVar aggregate classification (germline): Benign/Likely benign. Review status: criteria provided, multiple submitters, no conflicts (2 of 4 stars). 6 submissions from 6 submitters: Benign (1); Likely benign (3). 2 of the submissions do not count toward it. Last evaluated 2026-07-19.

Conditions:
DNAH5-related disorder. Also called: DNAH5-related condition.
Primary ciliary dyskinesia. Also called: Ciliary dyskinesia. Identifiers: Orphanet 244, MedGen C0008780, MONDO:0016575, HP:0012265.
Primary ciliary dyskinesia 3. Identifiers: Orphanet 244, MedGen C1837618, MONDO:0012085, OMIM 608644.

Allele frequency attached by ClinVar (database versions not stated): gnomAD 0.00011 and 0.00017; TOPMed 0.00012; ExAC 0.00035; gnomAD exomes 0.00036; 1000 Genomes Project 0.00140; 1000 Genomes Project 30x 0.00156.
gnomAD v4.1: 148 of 1,614,200 alleles (0.0092%); highest among the groups gnomAD compares: East Asian, 0.2%; 1 homozygote.

Submissions (6):

Ambry Genetics
Classification: Likely benign for Primary ciliary dyskinesia. Last evaluated: 2026-07-19. Review status: criteria provided, single submitter. Criteria: Ambry Variant Classification Scheme 2023. Collection method: clinical testing. Allele origin: germline.

Labcorp Genetics (formerly Invitae), Labcorp
Classification: Benign for Primary ciliary dyskinesia. Last evaluated: 2025-11-03. Review status: criteria provided, single submitter. Criteria: Invitae Variant Classification Sherloc (09022015). Collection method: clinical testing. Allele origin: germline.

Blueprint Genetics
Classification: Likely benign. Last evaluated: 2024-10-30. Review status: criteria provided, single submitter. Criteria: ACMG Guidelines, 2015. Collection method: clinical testing. Allele origin: germline.

Fulgent Genetics
Classification: Likely benign for Primary ciliary dyskinesia 3. Last evaluated: 2021-07-15. Review status: criteria provided, single submitter. Criteria: ACMG Guidelines, 2015. Collection method: clinical testing. Allele origin: unknown.

PreventionGenetics, part of Exact Sciences
Classification: Likely benign for DNAH5-related condition. Last evaluated: 2023-11-03. Review status: no assertion criteria provided. Collection method: clinical testing. Allele origin: germline. Not counted in ClinVar's aggregate classification.
Comment: This variant is classified as likely benign based on ACMG/AMP sequence variant interpretation guidelines (Richards et al. 2015 PMID: 25741868, with internal and published modifications).

Natera, Inc.
Classification: Uncertain significance for Primary ciliary dyskinesia. Last evaluated: 2019-11-11. Review status: no assertion criteria provided. Collection method: clinical testing. Allele origin: germline. Not counted in ClinVar's aggregate classification.

NM_001369.3(DNAH5):c.360T>C (p.Asp120=)

Gene: DNAH5 (dynein axonemal heavy chain 5; minus strand). Cytogenetic location: 5p15.2.
Variant type: single nucleotide variant.
Coding change: c.360T>C on transcript NM_001369.3 (MANE Select); coding-DNA position 360, T replaced by C.
Protein change: p.Asp120=; no amino-acid change (aspartic acid 120 retained).
Molecular consequence: synonymous variant.
Genome position (GRCh38, 1-based): chr5:13,923,358, A>G on the plus strand (T>C on the coding strand, the complement: DNAH5 is on the minus strand). VCF-style: chr5-13923358-A-G. GRCh37 (hg19) VCF-style: chr5-13923467-A-G.
Identifiers: ClinVar variation 697061 (VCV000697061.17), dbSNP rs368412855, ClinGen allele CA3205203.
Genomic context (GRCh38, chr5:13,923,358, plus strand): 5'-GGTGATGGCTTTGGAAGGGTCAGTCCTGATGAAGAACACACATACCCCAGTAAGAGCCAC[A>G]TCGTTTCCCTCGGTCACGAACACCTTAGGTTTTTTAATCTTTCCAGAAACAAGATTTACC-3'
Protein context (NP_001360.1, residues 110-130): KPKVFVTEGN[Asp120=]VALTGVCVFF